The following is an entry in ClinVar:

NM_004655.4(AXIN2):c.1400C>T (p.Pro467Leu)

Gene: AXIN2 (axin 2; minus strand). Cytogenetic location: 17q24.1.
Variant type: single nucleotide variant.
Coding change: c.1400C>T on transcript NM_004655.4 (MANE Select); coding-DNA position 1400, C replaced by T.
Protein change: p.Pro467Leu; replaces proline 467 with leucine.
Molecular consequence: missense variant.
Genome position (GRCh38, 1-based): chr17:65,537,636, G>A on the plus strand (C>T on the coding strand, the complement: AXIN2 is on the minus strand). VCF-style: chr17-65537636-G-A. GRCh37 (hg19) VCF-style: chr17-63533754-G-A.
Other names: c.1400C>T (LRG_296t1); c.1400C>T, p.Pro467Leu (NM_001363813.1); short protein forms P467L.
Identifiers: ClinVar variation 533170 (VCV000533170.25), dbSNP rs908388069, ClinGen allele CA293098322.
Genomic context (GRCh38, chr17:65,537,636, plus strand): 5'-AGCTTGCCACCGGGCGGGAGCAGGGAGTGGTACTGCGAATGGTGGTGGTGGTGGTGGTCC[G>A]GGGAGCGGGAGCGGGGGCTATAGCGGCCTACGCCTGGAGACTGGCAGCCAGGGGTCTTGA-3'
Protein context (NP_004646.3, residues 457-477): VGRYSPRSRS[Pro467Leu]DHHHHHHSQY

ClinVar aggregate classification (germline): Uncertain significance. Review status: criteria provided, multiple submitters, no conflicts (2 of 4 stars). 7 submissions from 7 submitters: Uncertain significance (7). Last evaluated 2025-12-29.

Conditions:
Colorectal cancer. Also called: Malignant Colorectal Neoplasm; Colorectal cancer, somatic. Identifiers: MedGen C0346629, MONDO:0005575, OMIM 114500.
Oligodontia-cancer predisposition syndrome. Also called: TOOTH AGENESIS-COLORECTAL CANCER SYNDROME. Identifiers: Orphanet 300576, MedGen C1837750, MONDO:0012075, OMIM 608615. Disease mechanism: loss of function.
Hereditary cancer-predisposing syndrome. Also called: Neoplastic Syndromes, Hereditary; Hereditary Cancer Syndrome; Tumor predisposition; Hereditary neoplastic syndrome. Identifiers: Orphanet 140162, MedGen C0027672, MeSH D009386, MONDO:0015356.

Allele frequency attached by ClinVar (database versions not stated): TOPMed 0.00002; gnomAD exomes 0.00001; gnomAD 0.00001.
gnomAD v4.1: 34 of 1,585,236 alleles (0.0021%); highest among the groups gnomAD compares: Non-Finnish European, 0.0027%; no homozygotes.

Submissions (7):

Center for Genomic Medicine, Rigshospitalet, Copenhagen University Hospital
Classification: Uncertain significance. Last evaluated: 2025-12-29. Review status: criteria provided, single submitter. Criteria: ACMG Guidelines, 2015. Collection method: clinical testing. Allele origin: germline.

Labcorp Genetics (formerly Invitae), Labcorp
Classification: Uncertain significance for Oligodontia-cancer predisposition syndrome. Last evaluated: 2025-12-14. Review status: criteria provided, single submitter. Criteria: Invitae Variant Classification Sherloc (09022015). Collection method: clinical testing. Allele origin: germline.
Comment: This sequence change replaces proline, which is neutral and non-polar, with leucine, which is neutral and non-polar, at codon 467 of the AXIN2 protein (p.Pro467Leu). The frequency data for this variant in the population databases is considered unreliable, as metrics indicate poor data quality at this position in the gnomAD database. This variant has not been reported in the literature in individuals affected with AXIN2-related conditions. ClinVar contains an entry for this variant (Variation ID: 533170). Invitae Evidence Modeling of protein sequence and biophysical properties (such as structural, functional, and spatial information, amino acid conservation, physicochemical variation, residue mobility, and thermodynamic stability) indicates that this missense variant is expected to disrupt AXIN2 protein function with a positive predictive value of 80%. In summary, the available evidence is currently insufficient to determine the role of this variant in disease. Therefore, it has been classified as a Variant of Uncertain Significance.

Ambry Genetics
Classification: Uncertain significance for Hereditary cancer-predisposing syndrome. Last evaluated: 2025-07-28. Review status: criteria provided, single submitter. Criteria: Ambry Variant Classification Scheme 2023. Collection method: clinical testing. Allele origin: germline.
Comment: The p.P467L variant (also known as c.1400C>T), located in coding exon 5 of the AXIN2 gene, results from a C to T substitution at nucleotide position 1400. The proline at codon 467 is replaced by leucine, an amino acid with similar properties. This amino acid position is highly conserved in available vertebrate species. In addition, the in silico prediction for this alteration is inconclusive. Since supporting evidence is limited at this time, the clinical significance of this alteration remains unclear.

Dasa
Classification: Uncertain significance. Last evaluated: 2025-07-04. Review status: criteria provided, single submitter. Criteria: DASA Assertion Criteria. Collection method: clinical testing. Allele origin: germline.
Comment: NM_004655.4(AXIN2):c.1400C>T (p.Pro467Leu) is a missense variant that results in the substitution of proline with leucine. This variant is rare in population databases. Computational prediction algorithms are consistent with a deleterious effect. The currently available literature and clinical evidence are not sufficient to establish a definitive association between this variant and the reported condition. Therefore, this variant is classified as a variant of uncertain significance.

GeneDx
Classification: Uncertain significance. Last evaluated: 2023-12-14. Review status: criteria provided, single submitter. Criteria: GeneDx Variant Classification Process June 2021. Collection method: clinical testing. Allele origin: germline. Affected: yes.
Comment: Not observed at significant frequency in large population cohorts (gnomAD); In silico analysis supports that this missense variant has a deleterious effect on protein structure/function; Has not been previously published as pathogenic or benign to our knowledge; This variant is associated with the following publications: (PMID: 15735151)

Baylor Genetics
Classification: Uncertain significance for Colorectal cancer. Last evaluated: 2023-12-01. Review status: criteria provided, single submitter. Criteria: ACMG Guidelines, 2015. Collection method: clinical testing. Allele origin: unknown.

Quest Diagnostics Nichols Institute San Juan Capistrano
Classification: Uncertain significance. Last evaluated: 2023-09-08. Review status: criteria provided, single submitter. Criteria: Quest Diagnostics criteria. Collection method: clinical testing. Allele origin: unknown.
Comment: The variant has not been reported in individuals with AXIN2-related conditions in the published literature. The frequency of this variant in the general population, 0.000029 (3/105064 chromosomes (Genome Aggregation Database)), is uninformative in the assessment of its pathogenicity. Analysis of this variant using bioinformatics tools for the prediction of the effect of amino acid changes on protein structure and function yielded predictions that this variant is damaging. Based on the available information, we are unable to determine the clinical significance of this variant.